The following is an entry in ClinVar:

NM_000829.4(GRIA4):c.1204G>A (p.Val402Ile)

Gene: GRIA4 (glutamate ionotropic receptor AMPA type subunit 4; plus strand). Cytogenetic location: 11q22.3.
Variant type: single nucleotide variant.
Coding change: c.1204G>A on transcript NM_000829.4 (MANE Select); coding-DNA position 1204, G replaced by A.
Protein change: p.Val402Ile; replaces valine 402 with isoleucine.
Molecular consequence: missense variant. On other transcripts: non-coding transcript variant (1), intron variant (1).
Genome position (GRCh38, 1-based): chr11:105,910,480, G>A. VCF-style: chr11-105910480-G-A. GRCh37 (hg19) VCF-style: chr11-105781206-G-A.
Other names: c.1204G>A, p.Val402Ile (NM_001440397.1, NM_001440398.1, NM_001440400.1 and 19 more transcripts); c.1158+5179G>A (NM_001440399.1); short protein forms V402I.
Identifiers: ClinVar variation 4077312 (VCV004077312.1).

ClinVar aggregate classification (germline): Uncertain significance (1 of 4 stars; one submission).

Submission:

GeneDx
Classification: Uncertain significance. Last evaluated: 2025-02-28. Review status: criteria provided, single submitter. Criteria: GeneDx Variant Classification Process June 2021. Collection method: clinical testing. Allele origin: germline. Affected: yes.
Comment: Not observed at significant frequency in large population cohorts (gnomAD); In silico analysis indicates that this missense variant does not alter protein structure/function; Has not been previously published as pathogenic or benign to our knowledge